The following is an entry in ClinVar:

ClinVar aggregate classification (germline): Uncertain significance (1 of 4 stars; one submission).

Submission:

Labcorp Genetics (formerly Invitae), Labcorp
Classification: Uncertain significance. Last evaluated: 2025-07-02. Review status: criteria provided, single submitter. Criteria: Invitae Variant Classification Sherloc (09022015). Collection method: clinical testing. Allele origin: germline.
Comment: This variant, c.1447_1455dup, results in the insertion of 3 amino acid(s) of the MSN protein (p.Gln483_Glu485dup), but otherwise preserves the integrity of the reading frame. This variant is not present in population databases (gnomAD no frequency). This variant has not been reported in the literature in individuals affected with MSN-related conditions. In summary, the available evidence is currently insufficient to determine the role of this variant in disease. Therefore, it has been classified as a Variant of Uncertain Significance.

NM_002444.3(MSN):c.1438CAGGATGAG[3] (p.Glu485_Asn486insGlnAspGlu)

Gene: MSN (moesin; plus strand). Cytogenetic location: Xq12.
Variant type: Microsatellite.
Coding change: c.1438CAGGATGAG[3] on transcript NM_002444.3 (MANE Select); three copies in a row of the 9-base unit CAGGATGAG starting at c.1438; the reference has two copies in a row; one copy, 9 bases duplicated.
Protein change: p.Glu485_Asn486insGlnAspGlu.
Molecular consequence: inframe insertion.
Genome position (GRCh38, 1-based): chrX:65,739,072-65,739,080, CAGGATGAG duplicated; duplicating any 9 consecutive bases within chrX:65,739,058-65,739,080 gives the same sequence; the position shown is the placement nearest the transcript's 3' end. VCF-style (leftmost placement, unchanged base first): chrX-65739057-A-AATGAGCAGG. GRCh37 (hg19) VCF-style: chrX-64958919-A-AATGAGCAGG.
Other names: c.1441CAGGATGAG[3], p.Glu486_Asn487insGlnAspGlu (NM_001440778.1).
Identifiers: ClinVar variation 4695329 (VCV004695329.1).